The following is an entry in ClinVar:

ClinVar aggregate classification (germline): Likely benign (1 of 4 stars; one submission).

Conditions:
Arrhythmogenic cardiomyopathy with wooly hair and keratoderma. Also called: Carvajal syndrome; PALMOPLANTAR KERATODERMA WITH LEFT VENTRICULAR CARDIOMYOPATHY AND WOOLLY HAIR; Dilated cardiomyopathy with woolly hair and keratoderma; Arrhythmogenic cardiomyopathy with woolly hair and keratoderma. Identifiers: Orphanet 65282, MedGen C1854063, MONDO:0011581, OMIM 605676.

Submission:

All of Us Research Program, National Institutes of Health
Classification: Likely benign for Arrhythmogenic cardiomyopathy with wooly hair and keratoderma. Last evaluated: 2024-08-13. Review status: criteria provided, single submitter. Criteria: ACMG Guidelines, 2015. Collection method: clinical testing. Allele origin: germline. Inheritance: Autosomal dominant inheritance. Observed: 1 variant allele, 1 heterozygote.
Comment: This study involves interpretation of variants in research participants for the purpose of population health screening. Participant phenotype was not available at the time of variant classification. Additional details can be found in publication PMID: 35346344, PMCID: PMC8962531

NM_004415.4(DSP):c.933C>G (p.Ala311=)

Gene: DSP (desmoplakin; plus strand). Cytogenetic location: 6p24.3.
Variant type: single nucleotide variant.
Coding change: c.933C>G on transcript NM_004415.4 (MANE Select); coding-DNA position 933, C replaced by G.
Protein change: p.Ala311=; no amino-acid change (alanine 311 retained).
Molecular consequence: synonymous variant.
Genome position (GRCh38, 1-based): chr6:7,565,514, C>G. VCF-style: chr6-7565514-C-G. GRCh37 (hg19) VCF-style: chr6-7565747-C-G.
Other names: c.933C>G, p.Ala311= (NM_001008844.3, NM_001319034.2, NM_001406591.1).
Identifiers: ClinVar variation 3386622 (VCV003386622.1).